The following is an entry in ClinVar:

ClinVar aggregate classification (germline): Uncertain significance (1 of 4 stars; one submission).

Conditions:
Hereditary cancer-predisposing syndrome. Also called: Neoplastic Syndromes, Hereditary; Tumor predisposition; Hereditary Cancer Syndrome; Hereditary neoplastic syndrome. Identifiers: Orphanet 140162, MedGen C0027672, MeSH D009386, MONDO:0015356.

gnomAD v4.1: 1 of 1,610,540 alleles (0.000062%); highest among the groups gnomAD compares: Non-Finnish European, 0.000085%; no homozygotes.

Submission:

Ambry Genetics
Classification: Uncertain significance for Hereditary cancer-predisposing syndrome. Last evaluated: 2022-10-28. Review status: criteria provided, single submitter. Criteria: Ambry Variant Classification Scheme 2023. Collection method: clinical testing. Allele origin: germline.
Comment: The p.D277E variant (also known as c.831C>G), located in coding exon 6 of the STK11 gene, results from a C to G substitution at nucleotide position 831. The aspartic acid at codon 277 is replaced by glutamic acid, an amino acid with highly similar properties. This amino acid position is conserved. In addition, this alteration is predicted to be tolerated by in silico analysis. Since supporting evidence is limited at this time, the clinical significance of this alteration remains unclear.

NM_000455.5(STK11):c.831C>G (p.Asp277Glu)

Gene: STK11 (serine/threonine kinase 11; plus strand). Cytogenetic location: 19p13.3.
Variant type: single nucleotide variant.
Coding change: c.831C>G on transcript NM_000455.5 (MANE Select); coding-DNA position 831, C replaced by G.
Protein change: p.Asp277Glu; replaces aspartic acid 277 with glutamic acid.
Molecular consequence: missense variant.
Genome position (GRCh38, 1-based): chr19:1,221,309, C>G. VCF-style: chr19-1221309-C-G. GRCh37 (hg19) VCF-style: chr19-1221308-C-G.
Other names: c.831C>G, p.Asp277Glu (NM_001407255.1); short protein forms D277E.
Identifiers: ClinVar variation 1762904 (VCV001762904.2), dbSNP rs1555738693, ClinGen allele CA402950667.